The following is an entry in ClinVar:

NM_133433.4(NIPBL):c.6886A>T (p.Ser2296Cys)

Gene: NIPBL (NIPBL cohesin loading factor; plus strand). Cytogenetic location: 5p13.2.
Variant type: single nucleotide variant.
Coding change: c.6886A>T on transcript NM_133433.4 (MANE Select); coding-DNA position 6886, A replaced by T.
Protein change: p.Ser2296Cys; replaces serine 2296 with cysteine.
Molecular consequence: missense variant.
Genome position (GRCh38, 1-based): chr5:37,049,233, A>T. VCF-style: chr5-37049233-A-T. GRCh37 (hg19) VCF-style: chr5-37049335-A-T.
Other names: c.6886A>T, p.Ser2296Cys (NM_015384.5); short protein forms S2296C.
Identifiers: ClinVar variation 1326586 (VCV001326586.2), dbSNP rs1401102641, ClinGen allele CA359508970.

ClinVar aggregate classification (germline): Uncertain significance (1 of 4 stars; one submission).

Submission:

GeneDx
Classification: Uncertain significance. Last evaluated: 2021-05-25. Review status: criteria provided, single submitter. Criteria: GeneDx Variant Classification Process June 2021. Collection method: clinical testing. Allele origin: germline. Affected: yes.
Comment: Not observed at significant frequency in large population cohorts (Lek et al., 2016); In silico analysis supports that this missense variant has a deleterious effect on protein structure/function; Has not been previously published as pathogenic or benign to our knowledge